The following is an entry in ClinVar:

ClinVar aggregate classification (germline): Uncertain significance (1 of 4 stars; one submission).

Submission:

Labcorp Genetics (formerly Invitae), Labcorp
Classification: Uncertain significance. Last evaluated: 2023-06-02. Review status: criteria provided, single submitter. Criteria: Invitae Variant Classification Sherloc (09022015). Collection method: clinical testing. Allele origin: germline.
Comment: In summary, the available evidence is currently insufficient to determine the role of this variant in disease. Therefore, it has been classified as a Variant of Uncertain Significance. Advanced modeling of protein sequence and biophysical properties (such as structural, functional, and spatial information, amino acid conservation, physicochemical variation, residue mobility, and thermodynamic stability) performed at Invitae indicates that this missense variant is not expected to disrupt TNNI3K protein function. This variant has not been reported in the literature in individuals affected with TNNI3K-related conditions. This variant is not present in population databases (gnomAD no frequency). This sequence change replaces alanine, which is neutral and non-polar, with threonine, which is neutral and polar, at codon 370 of the TNNI3K protein (p.Ala370Thr).

NM_015978.3(TNNI3K):c.1108G>A (p.Ala370Thr)

Genes: FPGT-TNNI3K (FPGT-TNNI3K readthrough; plus strand), TNNI3K (TNNI3 interacting kinase; plus strand). Cytogenetic location: 1p31.1.
Variant type: single nucleotide variant.
Coding change: c.1108G>A on transcript NM_015978.3 (MANE Select); coding-DNA position 1108, G replaced by A.
Protein change: p.Ala370Thr; replaces alanine 370 with threonine.
Molecular consequence: missense variant.
Genome position (GRCh38, 1-based): chr1:74,354,060, G>A. VCF-style: chr1-74354060-G-A. GRCh37 (hg19) VCF-style: chr1-74819744-G-A.
Other names: c.1411G>A, p.Ala471Thr (NM_001112808.3, NM_001199327.2); short protein forms A471T, A370T.
Identifiers: ClinVar variation 2757863 (VCV002757863.3), dbSNP rs1277807467, ClinGen allele CA340784341.